The following is an entry in ClinVar:

NM_000660.7(TGFB1):c.1045G>A (p.Gly349Ser)

Gene: TGFB1 (transforming growth factor beta 1; minus strand). Cytogenetic location: 19q13.2.
Variant type: single nucleotide variant.
Coding change: c.1045G>A on transcript NM_000660.7 (MANE Select); coding-DNA position 1045, G replaced by A.
Protein change: p.Gly349Ser; replaces glycine 349 with serine.
Molecular consequence: missense variant.
Genome position (GRCh38, 1-based): chr19:41,331,180, C>T on the plus strand (G>A on the coding strand, the complement: TGFB1 is on the minus strand). VCF-style: chr19-41331180-C-T. GRCh37 (hg19) VCF-style: chr19-41837085-C-T.
Other names: short protein forms G349S.
Identifiers: ClinVar variation 4741195 (VCV004741195.1).

ClinVar aggregate classification (germline): Uncertain significance (1 of 4 stars; one submission).

gnomAD v4.1: 2 of 1,545,986 alleles (0.00013%); highest among the groups gnomAD compares: Admixed American, 0.0039%; no homozygotes.

Submission:

Labcorp Genetics (formerly Invitae), Labcorp
Classification: Uncertain significance. Last evaluated: 2025-06-30. Review status: criteria provided, single submitter. Criteria: Invitae Variant Classification Sherloc (09022015). Collection method: clinical testing. Allele origin: germline.
Comment: This sequence change replaces glycine, which is neutral and non-polar, with serine, which is neutral and polar, at codon 349 of the TGFB1 protein (p.Gly349Ser). This variant is not present in population databases (gnomAD no frequency). This variant has not been reported in the literature in individuals affected with TGFB1-related conditions. Invitae Evidence Modeling of protein sequence and biophysical properties (such as structural, functional, and spatial information, amino acid conservation, physicochemical variation, residue mobility, and thermodynamic stability) indicates that this missense variant is not expected to disrupt TGFB1 protein function with a negative predictive value of 80%. In summary, the available evidence is currently insufficient to determine the role of this variant in disease. Therefore, it has been classified as a Variant of Uncertain Significance.